The following is an entry in ClinVar:

ClinVar aggregate classification (germline): Uncertain significance (1 of 4 stars; one submission).

Conditions:
ALG3-congenital disorder of glycosylation. Also called: CARBOHYDRATE-DEFICIENT GLYCOPROTEIN SYNDROME, TYPE IV; CDGS, TYPE IV; CONGENITAL DISORDER OF GLYCOSYLATION, TYPE Id; ALG3-CDG; CDG Id. Identifiers: Orphanet 79321, MedGen C1832736, MONDO:0010998, OMIM 601110.

Submission:

3billion
Classification: Uncertain significance for ALG3-congenital disorder of glycosylation. Last evaluated: 2024-11-25. Review status: criteria provided, single submitter. Criteria: ACMG Guidelines, 2015. Collection method: clinical testing. Allele origin: germline. Affected: yes.
Comment: The variant is not observed in the gnomAD v4.1.0 dataset. Predicted Consequence/Location: Missense variant In silico tool predictions suggest damaging effect of the variant on gene or gene product [REVEL: 0.94 (>=0.6, sensitivity 0.68 and specificity 0.92)]. Therefore, this variant is classified as VUS according to the recommendation of ACMG/AMP guideline.

NM_005787.6(ALG3):c.580T>C (p.Trp194Arg)

Gene: ALG3 (ALG3 alpha-1,3- mannosyltransferase; minus strand). Cytogenetic location: 3q27.1.
Variant type: single nucleotide variant.
Coding change: c.580T>C on transcript NM_005787.6 (MANE Select); coding-DNA position 580, T replaced by C.
Protein change: p.Trp194Arg; replaces tryptophan 194 with arginine.
Molecular consequence: missense variant. On other transcripts: non-coding transcript variant (2).
Genome position (GRCh38, 1-based): chr3:184,245,223, A>G on the plus strand (T>C on the coding strand, the complement: ALG3 is on the minus strand). VCF-style: chr3-184245223-A-G. GRCh37 (hg19) VCF-style: chr3-183963011-A-G.
Other names: c.436T>C, p.Trp146Arg (NM_001006941.2); short protein forms W146R, W194R.
Identifiers: ClinVar variation 4293642 (VCV004293642.1).